The following is an entry in ClinVar:

NM_030943.4(AMN):c.526G>A (p.Asp176Asn)

Gene: AMN (amnion associated transmembrane protein; plus strand). Cytogenetic location: 14q32.32.
Variant type: single nucleotide variant.
Coding change: c.526G>A on transcript NM_030943.4 (MANE Select); coding-DNA position 526, G replaced by A.
Protein change: p.Asp176Asn; replaces aspartic acid 176 with asparagine.
Molecular consequence: missense variant.
Genome position (GRCh38, 1-based): chr14:102,929,133, G>A. VCF-style: chr14-102929133-G-A. GRCh37 (hg19) VCF-style: chr14-103395470-G-A.
Other names: p.Asp176Asn; short protein forms D176N.
Identifiers: ClinVar variation 2287047 (VCV002287047.4), dbSNP rs555727641, ClinGen allele CA7359964.

ClinVar aggregate classification (germline): Uncertain significance. Review status: criteria provided, multiple submitters, no conflicts (2 of 4 stars). 3 submissions from 3 submitters: Uncertain significance (3). Last evaluated 2023-12-27.

Conditions:
Imerslund-Grasbeck syndrome type 2. Also called: Megaloblastic anemia 1, Norwegian type; MEGALOBLASTIC ANEMIA, NORWEGIAN TYPE; Imerslund-Gräsbeck syndrome 2. Identifiers: MedGen C4016948, MONDO:0100157, OMIM 618882.
Inborn genetic diseases. Identifiers: MedGen C0950123, MeSH D030342.

Allele frequency attached by ClinVar (database versions not stated): gnomAD exomes below 0.00001; ExAC 0.00002; gnomAD 0.00005; TOPMed 0.00005; 1000 Genomes Project 0.00020; 1000 Genomes Project 30x 0.00031.
gnomAD v4.1: 11 of 1,597,494 alleles (0.00069%); highest among the groups gnomAD compares: African/African-American, 0.012%; no homozygotes.

Submissions (3):

Fulgent Genetics
Classification: Uncertain significance for Imerslund-Grasbeck syndrome type 2. Last evaluated: 2023-12-27. Review status: criteria provided, single submitter. Criteria: ACMG Guidelines, 2015. Collection method: clinical testing. Allele origin: germline.

Mayo Clinic Laboratories, Mayo Clinic
Classification: Uncertain significance. Last evaluated: 2023-05-31. Review status: criteria provided, single submitter. Criteria: ACMG Guidelines, 2015. Collection method: clinical testing. Allele origin: germline. Observed: 1 variant allele.
Comment: PM2

Ambry Genetics
Classification: Uncertain significance for Inborn genetic diseases. Last evaluated: 2022-05-04. Review status: criteria provided, single submitter. Criteria: Ambry Variant Classification Scheme 2023. Collection method: clinical testing. Allele origin: germline.